The following is an entry in ClinVar:

NM_015599.3(PGM3):c.1514G>T (p.Arg505Leu)

Genes: DOP1A (DOP1 leucine zipper like protein A; plus strand), PGM3 (phosphoglucomutase 3; minus strand). Cytogenetic location: 6q14.1.
Variant type: single nucleotide variant.
Coding change: c.1514G>T on transcript NM_015599.3 (MANE Select); coding-DNA position 1514, G replaced by T.
Protein change: p.Arg505Leu; replaces arginine 505 with leucine.
Molecular consequence: missense variant. On other transcripts: non-coding transcript variant (2).
Genome position (GRCh38, 1-based): chr6:83,170,330, C>A on the plus strand (G>T on the coding strand, the complement: PGM3 is on the minus strand). VCF-style: chr6-83170330-C-A. GRCh37 (hg19) VCF-style: chr6-83880049-C-A.
Other names: c.1598G>T, p.Arg533Leu (NM_001199917.2, NM_001367287.1); c.1271G>T, p.Arg424Leu (NM_001199918.2); c.1514G>T, p.Arg505Leu (NM_001199919.2); c.1391G>T, p.Arg464Leu (NM_001367286.1); short protein forms R424L, R464L, R505L, R533L.
Identifiers: ClinVar variation 1056557 (VCV001056557.9), dbSNP rs772233718, ClinGen allele CA141941682.

ClinVar aggregate classification (germline): Uncertain significance (1 of 4 stars; one submission).

Conditions:
Immunodeficiency 23 (IMD23). Also called: IMMUNODEFICIENCY WITH HYPER IgE AND COGNITIVE IMPAIRMENT; IMMUNODEFICIENCY-VASCULITIS-MYOCLONUS SYNDROME. Identifiers: Orphanet 443811, MedGen C4014371, MONDO:0014353, OMIM 615816.

Submission:

Labcorp Genetics (formerly Invitae), Labcorp
Classification: Uncertain significance for Immunodeficiency 23. Last evaluated: 2020-06-26. Review status: criteria provided, single submitter. Criteria: Invitae Variant Classification Sherloc (09022015). Collection method: clinical testing. Allele origin: germline.
Comment: In summary, the available evidence is currently insufficient to determine the role of this variant in disease. Therefore, it has been classified as a Variant of Uncertain Significance. Algorithms developed to predict the effect of missense changes on protein structure and function (SIFT, PolyPhen-2, Align-GVGD) all suggest that this variant is likely to be disruptive, but these predictions have not been confirmed by published functional studies and their clinical significance is uncertain. This variant has not been reported in the literature in individuals with PGM3-related conditions. This variant is not present in population databases (ExAC no frequency). This sequence change replaces arginine with leucine at codon 533 of the PGM3 protein (p.Arg533Leu). The arginine residue is highly conserved and there is a moderate physicochemical difference between arginine and leucine.